The following is an entry in ClinVar:

ClinVar aggregate classification (germline): Likely pathogenic (0 of 4 stars; one submission).

Conditions:
Pyruvate dehydrogenase E1-alpha deficiency (PDHAD). Also called: ATAXIA, INTERMITTENT, WITH PYRUVATE DEHYDROGENASE DEFICIENCY; ATAXIA WITH LACTIC ACIDOSIS I; ATAXIA, INTERMITTENT, WITH ABNORMAL PYRUVATE METABOLISM; Ataxia, intermittent, with pyruvate dehydrogenase, or decarboxylase, deficiency. Identifiers: Orphanet 79243, MedGen C1839413, MONDO:0010717, OMIM 312170.

Submission:

PDHA1 Study Group, University Children’s Hospital, Paracelsus Medical University
Classification: Likely pathogenic for Pyruvate dehydrogenase E1-alpha deficiency. Last evaluated: 2024-10-15. Review status: no assertion criteria provided. Collection method: research. Allele origin: germline. Affected: yes. Observed: 1 variant allele.
Comment: The NM_000284.3:c.649C>A (p.Pro217Thr) substitution is a missense variant in PDHA1 gene. Last literature search: July 12, 2024. This variant is absent or extremely rare in population-based cohorts in the Genome Aggregation Database (gnomAD). Individuals harboring this variant presented with clinical features compatible with PDHA1-related PDHc deficiency. In summary, this variant meets criteria to be classified as likely pathogenic (LP) for PDHA1-related PDHc deficiency based on the ACMG/AMP criteria applied: PM1, PM2, PM5, PP3 (last assessment October 15, 2024).

Literature cited by the submitters: DOI 10.1093/brain/awaf430.

NM_000284.4(PDHA1):c.649C>A (p.Pro217Thr)

Gene: PDHA1 (pyruvate dehydrogenase E1 subunit alpha 1; plus strand). Cytogenetic location: Xp22.12.
Variant type: single nucleotide variant.
Coding change: c.649C>A on transcript NM_000284.4 (MANE Select); coding-DNA position 649, C replaced by A.
Protein change: p.Pro217Thr; replaces proline 217 with threonine.
Molecular consequence: missense variant.
Genome position (GRCh38, 1-based): chrX:19,355,394, C>A. VCF-style: chrX-19355394-C-A. GRCh37 (hg19) VCF-style: chrX-19373512-C-A.
Other names: c.763C>A, p.Pro255Thr (NM_001173454.2); c.670C>A, p.Pro224Thr (NM_001173455.2); c.556C>A, p.Pro186Thr (NM_001173456.2); short protein forms P186T, P217T, P224T, P255T.
Identifiers: ClinVar variation 4070353 (VCV004070353.1).